The following is an entry in ClinVar:

ClinVar aggregate classification (germline): Uncertain significance. Review status: criteria provided, multiple submitters, no conflicts (2 of 4 stars). 3 submissions from 3 submitters: Uncertain significance (3). Last evaluated 2025-09-04.

Conditions:
Hypertrophic cardiomyopathy. Also called: HYPERTROPHIC MYOCARDIOPATHY. Identifiers: Orphanet 217569, MedGen C0007194, MeSH D002312, MONDO:0005045, HP:0001639.
Cardiovascular phenotype. Identifiers: MedGen CN230736.

Allele frequency attached by ClinVar (database versions not stated): gnomAD exomes 0.00001; TOPMed 0.00001; ExAC 0.00007.
gnomAD v4.1: 5 of 1,589,496 alleles (0.00031%); highest among the groups gnomAD compares: East Asian, 0.0046%; no homozygotes.

Submissions (3):

Ambry Genetics
Classification: Uncertain significance for Cardiovascular phenotype. Last evaluated: 2025-09-04. Review status: criteria provided, single submitter. Criteria: Ambry Variant Classification Scheme 2023. Collection method: clinical testing. Allele origin: germline.
Comment: The p.P148L variant (also known as c.443C>T), located in coding exon 2 of the JPH2 gene, results from a C to T substitution at nucleotide position 443. The proline at codon 148 is replaced by leucine, an amino acid with similar properties. This amino acid position is highly conserved in available vertebrate species. In addition, the in silico prediction for this alteration is inconclusive. Since supporting evidence is limited at this time, the clinical significance of this alteration remains unclear.

Labcorp Genetics (formerly Invitae), Labcorp
Classification: Uncertain significance for Hypertrophic cardiomyopathy. Last evaluated: 2025-04-24. Review status: criteria provided, single submitter. Criteria: Invitae Variant Classification Sherloc (09022015). Collection method: clinical testing. Allele origin: germline.
Comment: This sequence change replaces proline, which is neutral and non-polar, with leucine, which is neutral and non-polar, at codon 148 of the JPH2 protein (p.Pro148Leu). The frequency data for this variant in the population databases is considered unreliable, as metrics indicate poor data quality at this position in the gnomAD database. This variant has not been reported in the literature in individuals affected with JPH2-related conditions. ClinVar contains an entry for this variant (Variation ID: 392743). An algorithm developed to predict the effect of missense changes on protein structure and function (PolyPhen-2) suggests that this variant is likely to be disruptive. In summary, the available evidence is currently insufficient to determine the role of this variant in disease. Therefore, it has been classified as a Variant of Uncertain Significance.

GeneDx
Classification: Uncertain significance. Last evaluated: 2018-11-21. Review status: criteria provided, single submitter. Criteria: GeneDx Variant Classification (06012015). Collection method: clinical testing. Allele origin: germline. Affected: yes.
Comment: A variant of uncertain significance has been identified in the JPH2 gene. The P148L variant has not been published as a pathogenic or been reported as a benign to our knowledge. The P148L variant has not been observed at a significant frequency in large population cohorts (Lek et al., 2016; 1000 Genomes Project; Exome Variant Server). The P148L variant is a semi-conservative amino acid substitution, which may impact secondary protein structure as these residues differ in some properties. This substitution occurs at a position that is conserved across species and in silico analysis predicts this variant is probably damaging to the protein structure/function. Although missense variants in nearby residues have been reported in the Human Gene Mutation Database in association with HCM (Stenson et al., 2014), their true clinical significance remains unknown. Thus, this variant lacks observation in a significant number of affected individuals, segregation data, and functional evidence, which would further clarify its pathogenicity.Therefore, based on the currently available information, it is unclear whether this variant is pathogenic or rare benign.

NM_020433.5(JPH2):c.443C>T (p.Pro148Leu)

Gene: JPH2 (junctophilin 2; minus strand). Cytogenetic location: 20q13.12.
Variant type: single nucleotide variant.
Coding change: c.443C>T on transcript NM_020433.5 (MANE Select); coding-DNA position 443, C replaced by T.
Protein change: p.Pro148Leu; replaces proline 148 with leucine.
Molecular consequence: missense variant.
Genome position (GRCh38, 1-based): chr20:44,160,344, G>A on the plus strand (C>T on the coding strand, the complement: JPH2 is on the minus strand). VCF-style: chr20-44160344-G-A. GRCh37 (hg19) VCF-style: chr20-42788984-G-A.
Other names: short protein forms P148L.
Identifiers: ClinVar variation 392743 (VCV000392743.15), dbSNP rs772582964, ClinGen allele CA9868839.